The following is an entry in ClinVar:

NM_018934.4(PCDHB14):c.1440A>G (p.Ser480=)

Genes: PCDHB14 (protocadherin beta 14; plus strand), PCDHB@ (protocadherin beta cluster; plus strand). Cytogenetic location: 5q31.3.
Variant type: single nucleotide variant.
Coding change: c.1440A>G on transcript NM_018934.4 (MANE Select); coding-DNA position 1440, A replaced by G.
Protein change: p.Ser480=; no amino-acid change (serine 480 retained).
Molecular consequence: synonymous variant.
Genome position (GRCh38, 1-based): chr5:141,224,945, A>G. VCF-style: chr5-141224945-A-G. GRCh37 (hg19) VCF-style: chr5-140604517-A-G.
Identifiers: ClinVar variation 2655836 (VCV002655836.24), dbSNP rs201491307, ClinGen allele CA3464667.
Genomic context (GRCh38, chr5:141,224,945, plus strand): 5'-CCGCGAGAACAACAGCCCCGCCCTGCACATCGGCAGCGTCAGCGCCACAGACAGAGACTC[A>G]GGCACCAACGCCCAGGTCAACTACTCGCTGCTGCCGCCCCAGGACCGGCACCTGCCCCTC-3'
Protein context (NP_061757.1, residues 470-490): IGSVSATDRD[Ser480=]GTNAQVNYSL

ClinVar aggregate classification (germline): Likely benign (1 of 4 stars; one submission).

Allele frequency attached by ClinVar (database versions not stated): gnomAD 0.00008; TOPMed 0.00008; 1000 Genomes Project 30x 0.00016; ExAC 0.00016; 1000 Genomes Project 0.00020.

Submission:

CeGaT Center for Human Genetics Tuebingen
Classification: Likely benign. Last evaluated: 2022-07-01. Review status: criteria provided, single submitter. Criteria: CeGaT Center For Human Genetics Tuebingen Variant Classification Criteria Version 2. Collection method: clinical testing. Allele origin: germline. Affected: yes. Observed: 1 variant allele.
Comment: PCDHB14: BP4, BP7